The following is an entry in ClinVar:

NM_002979.5(SCP2):c.128-22T>C

Gene: SCP2 (sterol carrier protein 2; plus strand). Cytogenetic location: 1p32.3.
Variant type: single nucleotide variant.
Coding change: c.128-22T>C on transcript NM_002979.5 (MANE Select); 22 bases into the intron before coding-DNA position 128, T replaced by C.
Molecular consequence: intron variant.
Genome position (GRCh38, 1-based): chr1:52,947,987, T>C. VCF-style: chr1-52947987-T-C. GRCh37 (hg19) VCF-style: chr1-53413659-T-C.
Other names: p.?; c.128-22T>C (NM_001193600.2, NM_001330587.2, NM_001007098.3); c.128-2768T>C (NM_001193599.2); c.-116-22T>C (NM_001193617.2).
Identifiers: ClinVar variation 4683187 (VCV004683187.1).

ClinVar aggregate classification (germline): Likely benign (1 of 4 stars; one submission).

gnomAD v4.1: 438 of 1,583,606 alleles (0.028%); highest among the groups gnomAD compares: Non-Finnish European, 0.035%; no homozygotes.

Submission:

Mayo Clinic Laboratories, Mayo Clinic
Classification: Likely benign. Last evaluated: 2025-04-16. Review status: criteria provided, single submitter. Criteria: ACMG Guidelines, 2015. Collection method: clinical testing. Allele origin: germline. Observed: 1 variant allele.
Comment: BP4, BP7